The following is an entry in ClinVar:

ClinVar aggregate classification (germline): Uncertain significance (1 of 4 stars; one submission).

Conditions:
Developmental and epileptic encephalopathy, 54. Also called: Epileptic encephalopathy, early infantile, 54; HNRNPU-Related Neurodevelopmental Disorder. Identifiers: MedGen C4479319, MONDO:0033363, OMIM 617391.

Submission:

Labcorp Genetics (formerly Invitae), Labcorp
Classification: Uncertain significance for Developmental and epileptic encephalopathy, 54. Last evaluated: 2024-10-23. Review status: criteria provided, single submitter. Criteria: Invitae Variant Classification Sherloc (09022015). Collection method: clinical testing. Allele origin: germline.
Comment: This sequence change replaces glycine, which is neutral and non-polar, with valine, which is neutral and non-polar, at codon 71 of the HNRNPU protein (p.Gly71Val). This variant is not present in population databases (gnomAD no frequency). This variant has not been reported in the literature in individuals affected with HNRNPU-related conditions. Invitae Evidence Modeling of protein sequence and biophysical properties (such as structural, functional, and spatial information, amino acid conservation, physicochemical variation, residue mobility, and thermodynamic stability) indicates that this missense variant is not expected to disrupt HNRNPU protein function with a negative predictive value of 95%. In summary, the available evidence is currently insufficient to determine the role of this variant in disease. Therefore, it has been classified as a Variant of Uncertain Significance.

NM_031844.3(HNRNPU):c.212G>T (p.Gly71Val)

Gene: HNRNPU (heterogeneous nuclear ribonucleoprotein U; minus strand). Cytogenetic location: 1q44.
Variant type: single nucleotide variant.
Coding change: c.212G>T on transcript NM_031844.3 (MANE Select); coding-DNA position 212, G replaced by T.
Protein change: p.Gly71Val; replaces glycine 71 with valine.
Molecular consequence: missense variant.
Genome position (GRCh38, 1-based): chr1:244,864,096, C>A on the plus strand (G>T on the coding strand, the complement: HNRNPU is on the minus strand). VCF-style: chr1-244864096-C-A. GRCh37 (hg19) VCF-style: chr1-245027398-C-A.
Other names: c.212G>T, p.Gly71Val (NM_004501.3); short protein forms G71V.
Identifiers: ClinVar variation 3660798 (VCV003660798.2).